The following is an entry in ClinVar:

ClinVar aggregate classification (germline): Uncertain significance (1 of 4 stars; one submission).

Conditions:
Hereditary cancer-predisposing syndrome. Also called: Neoplastic Syndromes, Hereditary; Tumor predisposition; Hereditary neoplastic syndrome; Hereditary Cancer Syndrome. Identifiers: Orphanet 140162, MedGen C0027672, MeSH D009386, MONDO:0015356.

Submission:

Ambry Genetics
Classification: Uncertain significance for Hereditary cancer-predisposing syndrome. Last evaluated: 2023-12-21. Review status: criteria provided, single submitter. Criteria: Ambry Variant Classification Scheme 2023. Collection method: clinical testing. Allele origin: germline.
Comment: The p.N584D variant (also known as c.1750A>G), located in coding exon 13 of the PTCH1 gene, results from an A to G substitution at nucleotide position 1750. The asparagine at codon 584 is replaced by aspartic acid, an amino acid with highly similar properties. This amino acid position is conserved. In addition, the in silico prediction for this alteration is inconclusive. Since supporting evidence is limited at this time, the clinical significance of this alteration remains unclear.

NM_000264.5(PTCH1):c.1750A>G (p.Asn584Asp)

Genes: PTCH1 (patched 1; minus strand), LOC100507346 (uncharacterized LOC100507346; plus strand). Cytogenetic location: 9q22.32.
Variant type: single nucleotide variant.
Coding change: c.1750A>G on transcript NM_000264.5 (MANE Select); coding-DNA position 1750, A replaced by G.
Protein change: p.Asn584Asp; replaces asparagine 584 with aspartic acid.
Molecular consequence: missense variant. On other transcripts: non-coding transcript variant (2).
Genome position (GRCh38, 1-based): chr9:95,469,910, T>C on the plus strand (A>G on the coding strand, the complement: PTCH1 is on the minus strand). VCF-style: chr9-95469910-T-C. GRCh37 (hg19) VCF-style: chr9-98232192-T-C.
Other names: c.1552A>G, p.Asn518Asp (NM_001083602.3); c.1747A>G, p.Asn583Asp (NM_001083603.3); c.1297A>G, p.Asn433Asp (NM_001083604.3, NM_001083605.3, NM_001083606.3 and 1 more transcripts); c.1594A>G, p.Asn532Asp (NM_001354918.2); short protein forms N433D, N518D, N532D, N583D, N584D.
Identifiers: ClinVar variation 3230952 (VCV003230952.1), dbSNP rs2118096937, ClinGen allele CA374116436.
Genomic context (GRCh38, chr9:95,469,910, plus strand): 5'-CGCGTCGATATAAATCCATGCTGAGAATTGCAGGAAAAATGAGCAGAACCATGGCAAAAT[T>C]GAACACCACTACTACCGCTGCCTGGGAGCAGAAAAAAAATTCAGAGGTCACCAACATGCC-3'
Protein context (NP_000255.2, residues 574-594): SLQAAVVVVF[Asn584Asp]FAMVLLIFPA